The following is an entry in ClinVar:

ClinVar aggregate classification (germline): Uncertain significance. Review status: criteria provided, multiple submitters, no conflicts (2 of 4 stars). 5 submissions from 5 submitters: Uncertain significance (5). Last evaluated 2024-03-24.

Conditions:
Cardiomyopathy (CMYO). Also called: Cardiomyopathies. Identifiers: Orphanet 167848, MedGen C0878544, MONDO:0004994, HP:0001638. Inheritance: Various modes of inheritance.
Familial isolated arrhythmogenic right ventricular dysplasia. Identifiers: Orphanet 217656, MedGen C4274968, MONDO:0016342.
Arrhythmogenic right ventricular dysplasia 11. Also called: Arrhythmogenic right ventricular dysplasia 11 with mild palmoplantar keratoderma and woolly hair; Arrhythmogenic Right Ventricular Dysplasia/Cardiomyopathy11; ARRHYTHMOGENIC RIGHT VENTRICULAR DYSPLASIA, FAMILIAL, 11. Identifiers: MedGen C1864850, MONDO:0012506, OMIM 610476.
Cardiovascular phenotype. Identifiers: MedGen CN230736.

Allele frequency attached by ClinVar (database versions not stated): TOPMed 0.00004; ExAC 0.00001; gnomAD exomes below 0.00001; gnomAD 0.00004.
gnomAD v4.1: 12 of 1,613,926 alleles (0.00074%); highest among the groups gnomAD compares: African/African-American, 0.0093%; no homozygotes.

Submissions (5):

All of Us Research Program, National Institutes of Health
Classification: Uncertain significance for Familial isolated arrhythmogenic right ventricular dysplasia. Last evaluated: 2024-03-24. Review status: criteria provided, single submitter. Criteria: ACMG Guidelines, 2015. Collection method: clinical testing. Allele origin: germline. Inheritance: Autosomal dominant inheritance. Observed: 1 variant allele, 1 heterozygote.
Comment: Variant of Uncertain Significance due to insufficient evidence: This missense variant replaces glycine with glutamic acid at codon 789 of the DSC2 protein. Computational prediction tools and conservation analyses are inconclusive regarding the impact of this variant on the protein function. Computational splicing tools suggest that this variant may not impact RNA splicing. To our knowledge, functional assays have not been performed for this variant nor has this variant been reported in individuals affected with cardiovascular disorders in the literature. This variant has been identified in 1/245862 chromosomes in the general population by the Genome Aggregation Database (gnomAD). Available evidence is insufficient to determine the role of this variant in disease conclusively.

This study involves interpretation of variants in research participants for the purpose of population health screening. Participant phenotype was not available at the time of variant classification. Additional details can be found in publication PMID: 35346344, PMCID: PMC8962531

Ambry Genetics
Classification: Uncertain significance for Cardiovascular phenotype. Last evaluated: 2024-03-22. Review status: criteria provided, single submitter. Criteria: Ambry Variant Classification Scheme 2023. Collection method: clinical testing. Allele origin: germline.
Comment: The p.G789E variant (also known as c.2366G>A), located in coding exon 15 of the DSC2 gene, results from a G to A substitution at nucleotide position 2366. The glycine at codon 789 is replaced by glutamic acid, an amino acid with similar properties. This amino acid position is highly conserved in available vertebrate species. In addition, this alteration is predicted to be deleterious by in silico analysis. Since supporting evidence is limited at this time, the clinical significance of this alteration remains unclear.

Color Diagnostics, LLC DBA Color Health
Classification: Uncertain significance for Cardiomyopathy. Last evaluated: 2023-12-04. Review status: criteria provided, single submitter. Criteria: ACMG Guidelines, 2015. Collection method: clinical testing. Allele origin: germline.
Comment: Variant of Uncertain Significance due to insufficient evidence: This missense variant replaces glycine with glutamic acid at codon 789 of the DSC2 protein. Computational prediction tools and conservation analyses are inconclusive regarding the impact of this variant on the protein function. Computational splicing tools suggest that this variant may not impact RNA splicing. To our knowledge, functional assays have not been performed for this variant nor has this variant been reported in individuals affected with cardiovascular disorders in the literature. This variant has been identified in 1/245862 chromosomes in the general population by the Genome Aggregation Database (gnomAD). Available evidence is insufficient to determine the role of this variant in disease conclusively.

Labcorp Genetics (formerly Invitae), Labcorp
Classification: Uncertain significance for Arrhythmogenic right ventricular dysplasia 11. Last evaluated: 2023-09-23. Review status: criteria provided, single submitter. Criteria: Invitae Variant Classification Sherloc (09022015). Collection method: clinical testing. Allele origin: germline.
Comment: In summary, the available evidence is currently insufficient to determine the role of this variant in disease. Therefore, it has been classified as a Variant of Uncertain Significance. Advanced modeling of protein sequence and biophysical properties (such as structural, functional, and spatial information, amino acid conservation, physicochemical variation, residue mobility, and thermodynamic stability) has been performed at Invitae for this missense variant, however the output from this modeling did not meet the statistical confidence thresholds required to predict the impact of this variant on DSC2 protein function. ClinVar contains an entry for this variant (Variation ID: 576483). This variant has not been reported in the literature in individuals affected with DSC2-related conditions. This variant is present in population databases (rs766828422, gnomAD 0.007%). This sequence change replaces glycine, which is neutral and non-polar, with glutamic acid, which is acidic and polar, at codon 789 of the DSC2 protein (p.Gly789Glu).

Fulgent Genetics
Classification: Uncertain significance for Arrhythmogenic right ventricular dysplasia 11. Last evaluated: 2021-09-07. Review status: criteria provided, single submitter. Criteria: ACMG Guidelines, 2015. Collection method: clinical testing. Allele origin: unknown.

NM_024422.6(DSC2):c.2366G>A (p.Gly789Glu)

Gene: DSC2 (desmocollin 2; minus strand). Cytogenetic location: 18q12.1.
Variant type: single nucleotide variant.
Coding change: c.2366G>A on transcript NM_024422.6 (MANE Select); coding-DNA position 2366, G replaced by A.
Protein change: p.Gly789Glu; replaces glycine 789 with glutamic acid.
Molecular consequence: missense variant.
Genome position (GRCh38, 1-based): chr18:31,069,036, C>T on the plus strand (G>A on the coding strand, the complement: DSC2 is on the minus strand). VCF-style: chr18-31069036-C-T. GRCh37 (hg19) VCF-style: chr18-28649002-C-T.
Other names: c.2366G>A, p.Gly789Glu (NM_004949.5); short protein forms G789E.
Identifiers: ClinVar variation 576483 (VCV000576483.18), dbSNP rs766828422, ClinGen allele CA036397.